The following is an entry in ClinVar:

ClinVar aggregate classification (germline): Benign/Likely benign. Review status: criteria provided, multiple submitters, no conflicts (2 of 4 stars). 11 submissions from 11 submitters: Benign (3); Likely benign (6). 2 of the submissions do not count toward it. Last evaluated 2026-01-12.

Conditions:
Hereditary nonpolyposis colorectal neoplasms. Identifiers: MedGen C0009405, MeSH D003123.
Hereditary cancer-predisposing syndrome. Also called: Neoplastic Syndromes, Hereditary; Hereditary Cancer Syndrome; Tumor predisposition; Hereditary neoplastic syndrome. Identifiers: Orphanet 140162, MedGen C0027672, MeSH D009386, MONDO:0015356.
Lynch syndrome. Identifiers: Orphanet 144, MedGen C4552100, MONDO:0005835. Disease mechanism: loss of function.
Lynch syndrome 5 (LYNCH5). Also called: Colorectal cancer, hereditary nonpolyposis, type 5; Hereditary non-polyposis colorectal cancer, type 5. Identifiers: Orphanet 144, MedGen C1833477, MONDO:0013710, OMIM 614350. Disease mechanism: loss of function.
MSH6-related disorder. Also called: MSH6-related condition; MSH6-Related disorders.

Allele frequency attached by ClinVar (database versions not stated): gnomAD 0.00001; TOPMed 0.00002.
gnomAD v4.1: 39 of 1,614,024 alleles (0.0024%); highest among the groups gnomAD compares: Admixed American, 0.02%; no homozygotes.

Submissions (11):

Labcorp Genetics (formerly Invitae), Labcorp
Classification: Likely benign for Hereditary nonpolyposis colorectal neoplasms. Last evaluated: 2026-01-12. Review status: criteria provided, single submitter. Criteria: Invitae Variant Classification Sherloc (09022015). Collection method: clinical testing. Allele origin: germline.

Women's Health and Genetics/Laboratory Corporation of America, LabCorp
Classification: Benign. Last evaluated: 2025-07-28. Review status: criteria provided, single submitter. Criteria: LabCorp Variant Classification Summary - May 2015. Collection method: clinical testing. Allele origin: germline.
Comment: Variant summary: MSH6 c.1740G>A alters a conserved nucleotide resulting in a synonymous change. Consensus agreement among computation tools predict no significant impact on normal splicing. However, these predictions have yet to be confirmed by functional studies. The variant allele was found at a frequency of 5.2e-05 in 250230 control chromosomes, predominantly at a frequency of 0.00032 within the Latino subpopulation in the gnomAD database. The observed variant frequency within Latino control individuals in the gnomAD database is approximately 2.25 fold of the estimated maximal expected allele frequency for a pathogenic variant in MSH6 causing Hereditary Nonpolyposis Colorectal Cancer phenotype (0.00014). c.1740G>A has been observed in individual(s) affected with Hereditary Nonpolyposis Colorectal Cancer (Pal_2012). These report(s) do not provide unequivocal conclusions about association of the variant with Hereditary Nonpolyposis Colorectal Cancer. To our knowledge, no experimental evidence demonstrating an impact on protein function has been reported. The following publication has been ascertained in the context of this evaluation (PMID: 23047549). ClinVar contains an entry for this variant (Variation ID: 237143). Based on the evidence outlined above, the variant was classified as benign.

Quest Diagnostics Nichols Institute San Juan Capistrano
Classification: Likely benign. Last evaluated: 2025-07-21. Review status: criteria provided, single submitter. Criteria: Quest Diagnostics criteria. Collection method: clinical testing. Allele origin: unknown.

All of Us Research Program, National Institutes of Health
Classification: Likely benign for Lynch syndrome. Last evaluated: 2024-05-30. Review status: criteria provided, single submitter. Criteria: ACMG Guidelines, 2015. Collection method: clinical testing. Allele origin: germline. Inheritance: Autosomal dominant inheritance. Observed: 4 variant alleles, 4 heterozygotes.
Comment: This study involves interpretation of variants in research participants for the purpose of population health screening. Participant phenotype was not available at the time of variant classification. Additional details can be found in publication PMID: 35346344, PMCID: PMC8962531

Blueprint Genetics
Classification: Likely benign. Last evaluated: 2023-12-06. Review status: criteria provided, single submitter. Criteria: ACMG Guidelines, 2015. Collection method: clinical testing. Allele origin: germline.

Myriad Genetics, Inc.
Classification: Benign for Lynch syndrome 5. Last evaluated: 2023-03-27. Review status: criteria provided, single submitter. Criteria: Myriad Autosomal Dominant, Autosomal Recessive and X-Linked Classification Criteria (2023). Collection method: clinical testing. Allele origin: unknown.
Comment: This variant is considered benign. This variant is a silent/synonymous amino acid change and it is not expected to impact splicing.

Color Diagnostics, LLC DBA Color Health
Classification: Likely benign for Hereditary cancer-predisposing syndrome. Last evaluated: 2017-11-17. Review status: criteria provided, single submitter. Criteria: ACMG Guidelines, 2015. Collection method: clinical testing. Allele origin: germline.

Ambry Genetics
Classification: Likely benign for Hereditary cancer-predisposing syndrome. Last evaluated: 2016-07-06. Review status: criteria provided, single submitter. Criteria: Ambry Variant Classification Scheme 2023. Collection method: clinical testing. Allele origin: germline.

GeneDx
Classification: Benign. Last evaluated: 2015-05-01. Review status: criteria provided, single submitter. Criteria: GeneDx Variant Classification Process June 2021. Collection method: clinical testing. Allele origin: germline. Affected: yes.

PreventionGenetics, part of Exact Sciences
Classification: Likely benign for MSH6-related condition. Last evaluated: 2019-07-23. Review status: no assertion criteria provided. Collection method: clinical testing. Allele origin: germline. Not counted in ClinVar's aggregate classification.
Comment: This variant is classified as likely benign based on ACMG/AMP sequence variant interpretation guidelines (Richards et al. 2015 PMID: 25741868, with internal and published modifications).

Counsyl
Classification: Likely benign for Lynch syndrome 5. Last evaluated: 2017-04-28. Review status: no assertion criteria provided. Collection method: clinical testing. Allele origin: unknown. Not counted in ClinVar's aggregate classification.

Literature cited by the submitters: PubMed 23047549 (cited by 3 submitters).

NM_000179.3(MSH6):c.1740G>A (p.Ser580=)

Gene: MSH6 (mutS homolog 6; plus strand). Cytogenetic location: 2p16.3.
Variant type: single nucleotide variant.
Coding change: c.1740G>A on transcript NM_000179.3 (MANE Select); coding-DNA position 1740, G replaced by A.
Protein change: p.Ser580=; no amino-acid change (serine 580 retained).
Molecular consequence: synonymous variant.
Genome position (GRCh38, 1-based): chr2:47,799,723, G>A. VCF-style: chr2-47799723-G-A. GRCh37 (hg19) VCF-style: chr2-48026862-G-A.
Other names: c.1350G>A, p.Ser450= (NM_001281492.2); c.834G>A, p.Ser278= (NM_001281493.2, NM_001281494.2).
Identifiers: ClinVar variation 237143 (VCV000237143.30), dbSNP rs762089407, ClinGen allele CA068093.